The following is an entry in ClinVar:

NM_021784.5(FOXA2):c.1118A>T (p.Glu373Val)

Gene: FOXA2 (forkhead box A2; minus strand). Cytogenetic location: 20p11.21.
Variant type: single nucleotide variant.
Coding change: c.1118A>T on transcript NM_021784.5 (MANE Select); coding-DNA position 1118, A replaced by T.
Protein change: p.Glu373Val; replaces glutamic acid 373 with valine.
Molecular consequence: missense variant.
Genome position (GRCh38, 1-based): chr20:22,582,124, T>A on the plus strand (A>T on the coding strand, the complement: FOXA2 is on the minus strand). VCF-style: chr20-22582124-T-A. GRCh37 (hg19) VCF-style: chr20-22562762-T-A.
Other names: c.1100A>T, p.Glu367Val (NM_153675.3); short protein forms E367V, E373V.
Identifiers: ClinVar variation 2030270 (VCV002030270.4), dbSNP rs767212576, ClinGen allele CA9786908.

ClinVar aggregate classification (germline): Uncertain significance (1 of 4 stars; one submission).

Allele frequency attached by ClinVar (database versions not stated): gnomAD exomes below 0.00001; ExAC 0.00003.

Submission:

Labcorp Genetics (formerly Invitae), Labcorp
Classification: Uncertain significance. Last evaluated: 2025-03-25. Review status: criteria provided, single submitter. Criteria: Invitae Variant Classification Sherloc (09022015). Collection method: clinical testing. Allele origin: germline.
Comment: This sequence change replaces glutamic acid, which is acidic and polar, with valine, which is neutral and non-polar, at codon 373 of the FOXA2 protein (p.Glu373Val). This variant is present in population databases (rs767212576, gnomAD 0.007%). This variant has not been reported in the literature in individuals affected with FOXA2-related conditions. ClinVar contains an entry for this variant (Variation ID: 2030270). An algorithm developed to predict the effect of missense changes on protein structure and function (PolyPhen-2) suggests that this variant is likely to be disruptive. In summary, the available evidence is currently insufficient to determine the role of this variant in disease. Therefore, it has been classified as a Variant of Uncertain Significance.